The following is an entry in ClinVar:

ClinVar aggregate classification (germline): Uncertain significance (1 of 4 stars; one submission).

Conditions:
Cardiovascular phenotype. Identifiers: MedGen CN230736.

Submission:

Ambry Genetics
Classification: Uncertain significance for Cardiovascular phenotype. Last evaluated: 2024-09-22. Review status: criteria provided, single submitter. Criteria: Ambry Variant Classification Scheme 2023. Collection method: clinical testing. Allele origin: germline.
Comment: The p.S3955G variant (also known as c.11863A>G), located in coding exon 27 of the APOB gene, results from an A to G substitution at nucleotide position 11863. The serine at codon 3955 is replaced by glycine, an amino acid with similar properties. This amino acid position is conserved. In addition, this alteration is predicted to be tolerated by in silico analysis. Based on the available evidence, the clinical significance of this variant remains unclear.

NM_000384.3(APOB):c.11863A>G (p.Ser3955Gly)

Gene: APOB (apolipoprotein B; minus strand). Cytogenetic location: 2p24.1.
Variant type: single nucleotide variant.
Coding change: c.11863A>G on transcript NM_000384.3 (MANE Select); coding-DNA position 11863, A replaced by G.
Protein change: p.Ser3955Gly; replaces serine 3955 with glycine.
Molecular consequence: missense variant.
Genome position (GRCh38, 1-based): chr2:21,004,601, T>C on the plus strand (A>G on the coding strand, the complement: APOB is on the minus strand). VCF-style: chr2-21004601-T-C. GRCh37 (hg19) VCF-style: chr2-21227473-T-C.
Other names: short protein forms S3955G.
Identifiers: ClinVar variation 3416078 (VCV003416078.1).